The following is an entry in ClinVar:

NM_001029896.2(WDR45):c.881_882del (p.Gln294fs)

Gene: WDR45 (WD repeat domain 45; minus strand). Cytogenetic location: Xp11.23.
Variant type: Deletion.
Coding change: c.881_882del on transcript NM_001029896.2 (MANE Select); coding-DNA positions 881 to 882, 2 bases deleted (AG; older notation c.881_882delAG).
Protein change: p.Gln294fs; shifts the reading frame from glutamine 294.
Molecular consequence: frameshift variant.
Genome position (GRCh38, 1-based): chrX:49,075,227-49,075,228, CT deleted on the plus strand (AG on the coding strand, the reverse complement: WDR45 is on the minus strand). VCF-style (leftmost placement, unchanged base first): chrX-49075226-ACT-A. GRCh37 (hg19) VCF-style: chrX-48932885-ACT-A.
Other names: c.884_885del, p.Gln295fs (NM_007075.4); short protein forms Q294fs, Q295fs.
Identifiers: ClinVar variation 4073534 (VCV004073534.1).

ClinVar aggregate classification (germline): Likely pathogenic (1 of 4 stars; one submission).

Conditions:
Neurodegeneration with brain iron accumulation 5 (NBIA5). Also called: Beta-propeller protein-associated neurodegeneration; STATIC ENCEPHALOPATHY OF CHILDHOOD WITH NEURODEGENERATION IN ADULTHOOD. Identifiers: Orphanet 329284, MedGen C3550973, MONDO:0010476, OMIM 300894.

Submission:

Unidad de Genómica Garrahan, Hospital de Pediatría Garrahan
Classification: Likely pathogenic for Neurodegeneration with brain iron accumulation 5. Last evaluated: 2025-08-05. Review status: criteria provided, single submitter. Criteria: ACMG Guidelines, 2015. Collection method: clinical testing. Allele origin: germline. Affected: yes.
Comment: This variant is not present in gnomAD population databases (PM2_sup). Null variant in a gene where loss-of-function is a known mechanism of disease (PVS1_vs).